The following is an entry in ClinVar:

ClinVar aggregate classification (germline): Uncertain significance. Review status: criteria provided, multiple submitters, no conflicts (2 of 4 stars). 4 submissions from 4 submitters: Uncertain significance (4). Last evaluated 2026-01-11.

Conditions:
Inborn genetic diseases. Identifiers: MedGen C0950123, MeSH D030342.

Allele frequency attached by ClinVar (database versions not stated): gnomAD 0.00003.
gnomAD v4.1: 35 of 1,613,992 alleles (0.0022%); highest among the groups gnomAD compares: Non-Finnish European, 0.003%; no homozygotes.

Submissions (4):

Labcorp Genetics (formerly Invitae), Labcorp
Classification: Uncertain significance. Last evaluated: 2026-01-11. Review status: criteria provided, single submitter. Criteria: Invitae Variant Classification Sherloc (09022015). Collection method: clinical testing. Allele origin: germline.
Comment: This sequence change replaces arginine, which is basic and polar, with histidine, which is basic and polar, at codon 319 of the FBLN5 protein (p.Arg319His). This variant is present in population databases (rs766028324, gnomAD 0.007%). This variant has not been reported in the literature in individuals affected with FBLN5-related conditions. ClinVar contains an entry for this variant (Variation ID: 1350166). Invitae Evidence Modeling of protein sequence and biophysical properties (such as structural, functional, and spatial information, amino acid conservation, physicochemical variation, residue mobility, and thermodynamic stability) indicates that this missense variant is not expected to disrupt FBLN5 protein function with a negative predictive value of 80%. In summary, the available evidence is currently insufficient to determine the role of this variant in disease. Therefore, it has been classified as a Variant of Uncertain Significance.

Ambry Genetics
Classification: Uncertain significance for Inborn genetic diseases. Last evaluated: 2025-04-13. Review status: criteria provided, single submitter. Criteria: Ambry Variant Classification Scheme 2023. Collection method: clinical testing. Allele origin: germline.

Blueprint Genetics
Classification: Uncertain significance. Last evaluated: 2024-10-03. Review status: criteria provided, single submitter. Criteria: ACMG Guidelines, 2015. Collection method: clinical testing. Allele origin: germline.

CeGaT Center for Human Genetics Tuebingen
Classification: Uncertain significance. Last evaluated: 2023-10-01. Review status: criteria provided, single submitter. Criteria: CeGaT Center For Human Genetics Tuebingen Variant Classification Criteria Version 2. Collection method: clinical testing. Allele origin: germline. Affected: yes. Observed: 1 variant allele.

NM_006329.4(FBLN5):c.956G>A (p.Arg319His)

Gene: FBLN5 (fibulin 5; minus strand). Cytogenetic location: 14q32.12.
Variant type: single nucleotide variant.
Coding change: c.956G>A on transcript NM_006329.4 (MANE Select); coding-DNA position 956, G replaced by A.
Protein change: p.Arg319His; replaces arginine 319 with histidine.
Molecular consequence: missense variant.
Genome position (GRCh38, 1-based): chr14:91,881,325, C>T on the plus strand (G>A on the coding strand, the complement: FBLN5 is on the minus strand). VCF-style: chr14-91881325-C-T. GRCh37 (hg19) VCF-style: chr14-92347669-C-T.
Other names: c.956G>A (NM_006329.3); c.1079G>A, p.Arg360His (NM_001384158.1); c.1007G>A, p.Arg336His (NM_001384159.1); c.956G>A, p.Arg319His (NM_001384160.1); c.788G>A, p.Arg263His (NM_001384161.1, NM_001384162.1); short protein forms R263H, R319H, R336H, R360H.
Identifiers: ClinVar variation 1350166 (VCV001350166.30), dbSNP rs766028324, ClinGen allele CA265595441.